The following is an entry in ClinVar:

NM_001377540.1(SLMAP):c.1005A>T (p.Gly335=)

Gene: SLMAP (sarcolemma associated protein; plus strand). Cytogenetic location: 3p14.3.
Variant type: single nucleotide variant.
Coding change: c.1005A>T on transcript NM_001377540.1 (MANE Select); coding-DNA position 1005, A replaced by T.
Protein change: p.Gly335=; no amino-acid change (glycine 335 retained).
Molecular consequence: synonymous variant. On other transcripts: non-coding transcript variant (1).
Genome position (GRCh38, 1-based): chr3:57,864,586, A>T. VCF-style: chr3-57864586-A-T. GRCh37 (hg19) VCF-style: chr3-57850313-A-T.
Other names: c.1005A>T, p.Gly335= (NM_001304420.3, NM_001304421.2, NM_001377538.1 and 17 more transcripts).
Identifiers: ClinVar variation 4987900 (VCV004987900.1).

ClinVar aggregate classification (germline): Likely benign (1 of 4 stars; one submission).

Conditions:
SLMAP-related disorder. Also called: SLMAP-related condition.

gnomAD v4.1: 1 of 1,587,106 alleles (0.000063%); highest among the groups gnomAD compares: African/African-American, 0.0014%; no homozygotes.

Submission:

PreventionGenetics, part of Exact Sciences
Classification: Likely benign for SLMAP-related condition. Last evaluated: 2024-11-01. Review status: criteria provided, single submitter. Criteria: ACMG Guidelines, 2015. Collection method: clinical testing. Allele origin: germline.
Comment: This variant is classified as likely benign based on ACMG/AMP sequence variant interpretation guidelines (Richards et al. 2015 PMID: 25741868, with internal and published modifications).